The following is an entry in ClinVar:

ClinVar aggregate classification (germline): Likely benign (1 of 4 stars; one submission).

gnomAD v4.1: 27 of 1,612,296 alleles (0.0017%); highest among the groups gnomAD compares: Admixed American, 0.042%; no homozygotes.

Submission:

CeGaT Center for Human Genetics Tuebingen
Classification: Likely benign. Last evaluated: 2026-08-01. Review status: criteria provided, single submitter. Criteria: CeGaT Center For Human Genetics Tuebingen Variant Classification Criteria Version 2. Collection method: clinical testing. Allele origin: germline. Affected: yes. Observed: 1 variant allele.
Comment: IGF1: BP4, BP7

NM_000618.5(IGF1):c.66G>A (p.Val22=)

Genes: IGF1 (insulin like growth factor 1; minus strand), LINC02456 (long independently transcribed non-coding RNA 2456; plus strand). Cytogenetic location: 12q23.2.
Variant type: single nucleotide variant.
Coding change: c.66G>A on transcript NM_000618.5 (MANE Select); coding-DNA position 66, G replaced by A.
Protein change: p.Val22=; no amino-acid change (valine 22 retained).
Molecular consequence: synonymous variant.
Genome position (GRCh38, 1-based): chr12:102,475,797, C>T on the plus strand (G>A on the coding strand, the complement: IGF1 is on the minus strand). VCF-style: chr12-102475797-C-T. GRCh37 (hg19) VCF-style: chr12-102869575-C-T.
Other names: c.66G>A, p.Val22= (NM_001111283.3, NM_001111285.3, NM_001414005.1 and 1 more transcripts); c.18G>A, p.Val6= (NM_001111284.2, NM_001414006.1).
Identifiers: ClinVar variation 5038884 (VCV005038884.1).